The following is an entry in ClinVar:

NM_017837.4(PIGV):c.439C>G (p.Gln147Glu)

Gene: PIGV (phosphatidylinositol glycan anchor biosynthesis class V; plus strand). Cytogenetic location: 1p36.11.
Variant type: single nucleotide variant.
Coding change: c.439C>G on transcript NM_017837.4 (MANE Select); coding-DNA position 439, C replaced by G.
Protein change: p.Gln147Glu; replaces glutamine 147 with glutamic acid.
Molecular consequence: missense variant. On other transcripts: non-coding transcript variant (1), intron variant (3).
Genome position (GRCh38, 1-based): chr1:26,794,473, C>G. VCF-style: chr1-26794473-C-G. GRCh37 (hg19) VCF-style: chr1-27120964-C-G.
Other names: c.439C>G, p.Gln147Glu (NM_001202554.2, NM_001374478.1, NM_001374480.1 and 2 more transcripts); c.58C>G, p.Gln20Glu (NM_001374483.1); c.172+267C>G (NM_001374484.1, NM_001374485.1); c.79-3090C>G (NM_001374486.1); short protein forms Q147E, Q20E.
Identifiers: ClinVar variation 1473105 (VCV001473105.4), dbSNP rs185641230, ClinGen allele CA708057.

ClinVar aggregate classification (germline): Uncertain significance (1 of 4 stars; one submission).

gnomAD v4.1: 1 of 1,614,240 alleles (0.000062%); highest among the groups gnomAD compares: Non-Finnish European, 0.000085%; no homozygotes.

Submission:

Labcorp Genetics (formerly Invitae), Labcorp
Classification: Uncertain significance. Last evaluated: 2025-07-10. Review status: criteria provided, single submitter. Criteria: Invitae Variant Classification Sherloc (09022015). Collection method: clinical testing. Allele origin: germline.
Comment: This sequence change replaces glutamine, which is neutral and polar, with glutamic acid, which is acidic and polar, at codon 147 of the PIGV protein (p.Gln147Glu). This variant is present in population databases (rs185641230, gnomAD 0.0009%). This variant has not been reported in the literature in individuals affected with PIGV-related conditions. ClinVar contains an entry for this variant (Variation ID: 1473105). Invitae Evidence Modeling of protein sequence and biophysical properties (such as structural, functional, and spatial information, amino acid conservation, physicochemical variation, residue mobility, and thermodynamic stability) indicates that this missense variant is not expected to disrupt PIGV protein function with a negative predictive value of 95%. In summary, the available evidence is currently insufficient to determine the role of this variant in disease. Therefore, it has been classified as a Variant of Uncertain Significance.